The following is an entry in ClinVar:

NM_000059.4(BRCA2):c.7750G>C (p.Gly2584Arg)

Gene: BRCA2 (BRCA2 DNA repair associated; plus strand). Cytogenetic location: 13q13.1.
Variant type: single nucleotide variant.
Coding change: c.7750G>C on transcript NM_000059.4 (MANE Select); coding-DNA position 7750, G replaced by C.
Protein change: p.Gly2584Arg; replaces glycine 2584 with arginine.
Molecular consequence: missense variant. On other transcripts: non-coding transcript variant (1).
Genome position (GRCh38, 1-based): chr13:32,357,874, G>C. VCF-style: chr13-32357874-G-C. GRCh37 (hg19) VCF-style: chr13-32932011-G-C.
Other names: c.7654G>C, p.Gly2552Arg (NM_001406719.1); c.7750G>C, p.Gly2584Arg (NM_001406720.1, NM_001432077.1); c.2818G>C, p.Gly940Arg (NM_001406721.1); c.1333G>C, p.Gly445Arg (NM_001406722.1); short protein forms G2584R, G940R, G2552R, G445R.
Identifiers: ClinVar variation 4824529 (VCV004824529.1).
Genomic context (GRCh38, chr13:32,357,874, plus strand): 5'-ACTGAAGATTATTTTGGTAAGGAAAGTTTATGGACTGGAAAAGGAATACAGTTGGCTGAT[G>C]GTGGATGGCTCATACCCTCCAATGATGGAAAGGCTGGAAAAGAAGAATTTTATAGGTACT-3'
Protein context (NP_000050.3, residues 2574-2594): WTGKGIQLAD[Gly2584Arg]GWLIPSNDGK

ClinVar aggregate classification (germline): Uncertain significance (1 of 4 stars; one submission).

Conditions:
Hereditary cancer-predisposing syndrome. Also called: Neoplastic Syndromes, Hereditary; Hereditary neoplastic syndrome; Tumor predisposition; Hereditary Cancer Syndrome. Identifiers: Orphanet 140162, MedGen C0027672, MeSH D009386, MONDO:0015356.

Submission:

Ambry Genetics
Classification: Uncertain significance for Hereditary cancer-predisposing syndrome. Last evaluated: 2026-02-06. Review status: criteria provided, single submitter. Criteria: Ambry Variant Classification Scheme 2023. Collection method: clinical testing. Allele origin: germline.
Comment: The p.G2584R variant (also known as c.7750G>C), located in coding exon 15 of the BRCA2 gene, results from a G to C substitution at nucleotide position 7750. The glycine at codon 2584 is replaced by arginine, an amino acid with dissimilar properties. Two saturation genome editing-based studies, including a haploid cell-survival assay and a humanized mouse embryonic stem cell line assay of drug response and survival, demonstrate that this nucleotide substitution is functional (Huang H et al. Nature. 2025 Feb;638(8050):528-537; Sahu S et al. Nature. 2025 Feb;638(8050):538-545). This amino acid position is highly conserved in available vertebrate species. In addition, this alteration is predicted to be deleterious by in silico analysis. Based on the available evidence, the clinical significance of this variant remains unclear.

Literature cited by the submitters: PubMed 39779848; PubMed 39779857.